The following is an entry in ClinVar:

NM_001165963.4(SCN1A):c.603-17_603-12delinsACGTA

Gene: SCN1A (sodium voltage-gated channel alpha subunit 1; minus strand). Cytogenetic location: 2q24.3.
Variant type: Indel.
Coding change: c.603-17_603-12delinsACGTA on transcript NM_001165963.4 (MANE Select); 17 bases into the intron before coding-DNA position 603 through 12 bases into the intron before coding-DNA position 603, TGAACT replaced by ACGTA.
Molecular consequence: intron variant.
Genome position (GRCh38, 1-based): chr2:166,052,955-166,052,960, AGTTCA replaced by TACGT on the plus strand (TGAACT replaced by ACGTA on the coding strand, the reverse complement: SCN1A is on the minus strand). VCF-style: chr2-166052955-AGTTCA-TACGT. GRCh37 (hg19) VCF-style: chr2-166909465-AGTTCA-TACGT.
Other names: c.603-17_603-12delinsACGTA (NM_001353949.2, NM_001353958.2, NM_001353950.2 and 10 more transcripts); c.-1823-17_-1823-12delinsACGTA (NM_001353961.2).
Identifiers: ClinVar variation 3010819 (VCV003010819.3), dbSNP rs2468234185, ClinGen allele CA2740095837.
Genomic context (GRCh38, chr2:166,052,955, plus strand): 5'-TGTTCTCAATGCCGAGACATTGCCCAGGTCCACAAACTCTGTGACGTACCTGTAATAGGG[AGTTCA>TACGT]CACACAAACACAAAAACAGGACACAAAGAAAAAGCTGTAGGTACAAAGAGCCTATCCTTT-3'

ClinVar aggregate classification (germline): Uncertain significance (1 of 4 stars; one submission).

Conditions:
Early-infantile DEE. Also called: Early infantile epileptic encephalopathy; Ohtahara syndrome; Early infantile epileptic encephalopathy with suppression bursts. Identifiers: Orphanet 1934, MedGen C0393706, MONDO:0800491.

Submission:

Labcorp Genetics (formerly Invitae), Labcorp
Classification: Uncertain significance for Early-infantile DEE. Last evaluated: 2021-06-14. Review status: criteria provided, single submitter. Criteria: Invitae Variant Classification Sherloc (09022015). Collection method: clinical testing. Allele origin: germline.
Comment: This sequence change falls in intron 4 of the SCN1A gene. It does not directly change the encoded amino acid sequence of the SCN1A protein. This variant is not present in population databases (ExAC no frequency). This variant has not been reported in the literature in individuals with SCN1A-related conditions. Experimental studies and prediction algorithms are not available or were not evaluated, and the effect of this variant on mRNA splicing is currently unknown. In summary, the available evidence is currently insufficient to determine the role of this variant in disease. Therefore, it has been classified as a Variant of Uncertain Significance.